The following is an entry in ClinVar:

NM_004364.5(CEBPA):c.489G>A (p.Glu163=)

Gene: CEBPA (CCAAT enhancer binding protein alpha; minus strand). Cytogenetic location: 19q13.11.
Variant type: single nucleotide variant.
Coding change: c.489G>A on transcript NM_004364.5 (MANE Select); coding-DNA position 489, G replaced by A.
Protein change: p.Glu163=; no amino-acid change (glutamic acid 163 retained).
Molecular consequence: synonymous variant.
Genome position (GRCh38, 1-based): chr19:33,301,926, C>T on the plus strand (G>A on the coding strand, the complement: CEBPA is on the minus strand). VCF-style: chr19-33301926-C-T. GRCh37 (hg19) VCF-style: chr19-33792832-C-T.
Other names: c.132G>A, p.Glu44= (NM_001285829.2); c.594G>A, p.Glu198= (NM_001287424.2); c.447G>A, p.Glu149= (NM_001287435.2).
Identifiers: ClinVar variation 2130971 (VCV002130971.4), dbSNP rs2513331032, ClinGen allele CA507007756.

ClinVar aggregate classification (germline): Uncertain significance (1 of 4 stars; one submission).

Conditions:
Acute myeloid leukemia (AML). Also called: Acute myeloid leukemia, adult; AML adult; Acute non-lymphocytic leukemia; Acute granulocytic leukemia; Leukemia, acute myeloid, somatic; Leukemia, acute myelogenous, somatic. Identifiers: Orphanet 519, MedGen C0023467, MeSH D015470, MONDO:0018874, OMIM 601626, HP:0004808. Disease mechanism: Constitutively activated FLT3.

Submission:

Labcorp Genetics (formerly Invitae), Labcorp
Classification: Uncertain significance for Acute myeloid leukemia. Last evaluated: 2022-04-27. Review status: criteria provided, single submitter. Criteria: Invitae Variant Classification Sherloc (09022015). Collection method: clinical testing. Allele origin: germline.
Comment: This sequence change affects codon 163 of the CEBPA mRNA. It is a 'silent' change, meaning that it does not change the encoded amino acid sequence of the CEBPA protein. This variant is not present in population databases (gnomAD no frequency). This variant has not been reported in the literature in individuals affected with CEBPA-related conditions. In summary, the available evidence is currently insufficient to determine the role of this variant in disease. Therefore, it has been classified as a Variant of Uncertain Significance.